The following is an entry in ClinVar:

NM_182972.3(IRF2BP2):c.853G>C (p.Glu285Gln)

Gene: IRF2BP2 (interferon regulatory factor 2 binding protein 2; minus strand). Cytogenetic location: 1q42.3.
Variant type: single nucleotide variant.
Coding change: c.853G>C on transcript NM_182972.3 (MANE Select); coding-DNA position 853, G replaced by C.
Protein change: p.Glu285Gln; replaces glutamic acid 285 with glutamine.
Molecular consequence: missense variant.
Genome position (GRCh38, 1-based): chr1:234,608,642, C>G on the plus strand (G>C on the coding strand, the complement: IRF2BP2 is on the minus strand). VCF-style: chr1-234608642-C-G. GRCh37 (hg19) VCF-style: chr1-234744388-C-G.
Other names: c.853G>C, p.Glu285Gln (NM_001077397.1); short protein forms E285Q.
Identifiers: ClinVar variation 4692406 (VCV004692406.1).

ClinVar aggregate classification (germline): Uncertain significance (1 of 4 stars; one submission).

gnomAD v4.1: 2 of 1,552,440 alleles (0.00013%); highest among the groups gnomAD compares: Admixed American, 0.0019%; no homozygotes.

Submission:

Labcorp Genetics (formerly Invitae), Labcorp
Classification: Uncertain significance. Last evaluated: 2025-06-30. Review status: criteria provided, single submitter. Criteria: Invitae Variant Classification Sherloc (09022015). Collection method: clinical testing. Allele origin: germline.
Comment: This sequence change replaces glutamic acid, which is acidic and polar, with glutamine, which is neutral and polar, at codon 285 of the IRF2BP2 protein (p.Glu285Gln). The frequency data for this variant in the population databases is considered unreliable, as metrics indicate poor data quality at this position in the gnomAD database. This variant has not been reported in the literature in individuals affected with IRF2BP2-related conditions. An algorithm developed to predict the effect of missense changes on protein structure and function (PolyPhen-2) suggests that this variant is likely to be tolerated. In summary, the available evidence is currently insufficient to determine the role of this variant in disease. Therefore, it has been classified as a Variant of Uncertain Significance.